The following is an entry in ClinVar:

ClinVar aggregate classification (germline): Uncertain significance (1 of 4 stars; one submission).

Allele frequency attached by ClinVar (database versions not stated): ExAC 0.00004; gnomAD 0.00008; TOPMed 0.00009.
gnomAD v4.1: 26 of 1,551,740 alleles (0.0017%); highest among the groups gnomAD compares: African/African-American, 0.029%; no homozygotes.

Submission:

Labcorp Genetics (formerly Invitae), Labcorp
Classification: Uncertain significance. Last evaluated: 2022-10-17. Review status: criteria provided, single submitter. Criteria: Invitae Variant Classification Sherloc (09022015). Collection method: clinical testing. Allele origin: germline.
Comment: This sequence change replaces glutamic acid, which is acidic and polar, with lysine, which is basic and polar, at codon 801 of the LOXHD1 protein (p.Glu801Lys). This variant is present in population databases (rs770068342, gnomAD 0.04%). This variant has not been reported in the literature in individuals affected with LOXHD1-related conditions. Algorithms developed to predict the effect of missense changes on protein structure and function are either unavailable or do not agree on the potential impact of this missense change (SIFT: "Deleterious"; PolyPhen-2: "Benign"; Align-GVGD: "Class C0"). In summary, the available evidence is currently insufficient to determine the role of this variant in disease. Therefore, it has been classified as a Variant of Uncertain Significance.

NM_001384474.1(LOXHD1):c.2401G>A (p.Glu801Lys)

Gene: LOXHD1 (lipoxygenase homology PLAT domains 1; minus strand). Cytogenetic location: 18q21.1.
Variant type: single nucleotide variant.
Coding change: c.2401G>A on transcript NM_001384474.1 (MANE Select); coding-DNA position 2401, G replaced by A.
Protein change: p.Glu801Lys; replaces glutamic acid 801 with lysine.
Molecular consequence: missense variant.
Genome position (GRCh38, 1-based): chr18:46,566,293, C>T on the plus strand (G>A on the coding strand, the complement: LOXHD1 is on the minus strand). VCF-style: chr18-46566293-C-T. GRCh37 (hg19) VCF-style: chr18-44146256-C-T.
Other names: c.2401G>A, p.Glu801Lys (NM_144612.7); short protein forms E801K.
Identifiers: ClinVar variation 2140819 (VCV002140819.1), dbSNP rs770068342, ClinGen allele CA8952675.